The following is an entry in ClinVar:

NM_000020.3(ACVRL1):c.988_990delinsTGG (p.Asp330Trp)

Gene: ACVRL1 (activin A receptor like type 1; plus strand). Cytogenetic location: 12q13.13.
Variant type: Indel.
Coding change: c.988_990delinsTGG on transcript NM_000020.3 (MANE Select); coding-DNA positions 988 to 990, GAC replaced by TGG.
Protein change: p.Asp330Trp; replaces aspartic acid 330 with tryptophan.
Molecular consequence: missense variant.
Genome position (GRCh38, 1-based): chr12:51,915,440-51,915,442, GAC replaced by TGG. VCF-style: chr12-51915440-GAC-TGG. GRCh37 (hg19) VCF-style: chr12-52309224-GAC-TGG.
Other names: c.988_990delinsTGG, p.Asp330Trp (NM_001077401.2); c.988_990delGACinsTGG, p.Asp330Trp (NM_001406487.1, NM_001406488.1, NM_001406489.1); c.676_678delGACinsTGG, p.Asp226Trp (NM_001406490.1, NM_001406491.1, NM_001406492.1 and 2 more transcripts); c.424_426delGACinsTGG, p.Asp142Trp (NM_001406495.1); short protein forms D330W, D142W, D226W.
Identifiers: ClinVar variation 1768484 (VCV001768484.4), dbSNP rs2540164781, ClinGen allele CA2580086486.

ClinVar aggregate classification (germline): Conflicting classifications of pathogenicity. Review status: criteria provided, conflicting classifications (1 of 4 stars). 2 submissions from 2 submitters: Likely pathogenic (1); Uncertain significance (1). Last evaluated 2025-12-17.

Conditions:
Cardiovascular phenotype. Identifiers: MedGen CN230736.
Telangiectasia, hereditary hemorrhagic, type 2 (HHT2). Also called: ACVRL1-Related Hereditary Hemorrhagic Telangiectasia; Telangiectasia, hereditary hemorrhagic, type II. Identifiers: Orphanet 774, MedGen C1838163, MONDO:0010880, OMIM 600376. Disease mechanism: loss of function.

Submissions (2):

Ambry Genetics
Classification: Likely pathogenic for Cardiovascular phenotype. Last evaluated: 2025-12-17. Review status: criteria provided, single submitter. Criteria: Ambry Variant Classification Scheme 2023. Collection method: clinical testing. Allele origin: germline.
Comment: The c.988_990delGACinsTGG variant (also known as p.D330W), located in coding exon 6 of the ACVRL1 gene, results from an in-frame deletion of GAC and insertion of TGG at nucleotide positions 988 to 990. This results in the substitution of the aspartic acid residue for a tryptophan residue at codon 330, an amino acid with highly dissimilar properties. This variant was reported in individual(s) with features consistent with hereditary hemorrhagic telangiectasia (Ambry internal data). Based on internal structural analysis, this variant is located in the phospho-transfer site and is predicted to be highly destabilizing (Abdalla SA et al. Eur J Hum Genet. 2003 Apr;11(4):279-87; Ambry internal data). Another alteration at the same codon, p.D330N (c.988G>A), has been detected in individuals from hereditary hemorrhagic telangiectasia cohorts (Letteboer TG et al. Hum Genet, 2005 Jan;116:8-16; Prigoda NL et al. J Med Genet, 2006 Sep;43:722-8; Olivieri C et al. J Hum Genet, 2007 Sep;52:820-829). This variant is considered to be rare based on population cohorts in the Genome Aggregation Database (gnomAD). This amino acid position is highly conserved in available vertebrate species. In addition, this alteration is predicted to be deleterious by in silico analysis (Choi Y et al. PLoS ONE. 2012; 7(10):e46688). Based on the majority of available evidence to date, this variant is likely to be pathogenic.

Labcorp Genetics (formerly Invitae), Labcorp
Classification: Uncertain significance for Telangiectasia, hereditary hemorrhagic, type 2. Last evaluated: 2025-04-17. Review status: criteria provided, single submitter. Criteria: Invitae Variant Classification Sherloc (09022015). Collection method: clinical testing. Allele origin: germline.
Comment: This sequence change replaces aspartic acid, which is acidic and polar, with tryptophan, which is neutral and slightly polar, at codon 330 of the ACVRL1 protein (p.Asp330Trp). Information on the frequency of this variant in the gnomAD database is not available, as this variant may be reported differently in the database. This variant has not been reported in the literature in individuals affected with ACVRL1-related conditions. ClinVar contains an entry for this variant (Variation ID: 1768484). An algorithm developed to predict the effect of missense changes on protein structure and function (PolyPhen-2) suggests that this variant is likely to be disruptive. This variant disrupts the p.Asp330 amino acid residue in ACVRL1. Other variant(s) that disrupt this residue have been determined to be pathogenic (PMID: 12114496, 16429404, 18673552, 23124896). This suggests that this residue is clinically significant, and that variants that disrupt this residue are likely to be disease-causing. In summary, the available evidence is currently insufficient to determine the role of this variant in disease. Therefore, it has been classified as a Variant of Uncertain Significance.

Literature cited by the submitters: PubMed 10767348 (cited by Ambry Genetics); PubMed 12114496 (cited by Ambry Genetics and Labcorp Genetics (formerly Invitae), Labcorp); PubMed 12700602 (cited by Ambry Genetics); PubMed 15517393 (cited by Ambry Genetics); PubMed 24001356 (cited by Ambry Genetics); PubMed 16429404 (cited by Labcorp Genetics (formerly Invitae), Labcorp); PubMed 18673552 (cited by Labcorp Genetics (formerly Invitae), Labcorp); PubMed 23124896 (cited by Labcorp Genetics (formerly Invitae), Labcorp).